The following is an entry in ClinVar:

NM_181507.2(HPS5):c.1129T>C (p.Cys377Arg)

Gene: HPS5 (HPS5 biogenesis of lysosomal organelles complex 2 subunit 2; minus strand). Cytogenetic location: 11p15.1.
Variant type: single nucleotide variant.
Coding change: c.1129T>C on transcript NM_181507.2 (MANE Select); coding-DNA position 1129, T replaced by C.
Protein change: p.Cys377Arg; replaces cysteine 377 with arginine.
Molecular consequence: missense variant.
Genome position (GRCh38, 1-based): chr11:18,298,827, A>G on the plus strand (T>C on the coding strand, the complement: HPS5 is on the minus strand). VCF-style: chr11-18298827-A-G. GRCh37 (hg19) VCF-style: chr11-18320374-A-G.
Other names: c.787T>C, p.Cys263Arg (NM_007216.4, NM_181508.2); short protein forms C263R, C377R.
Identifiers: ClinVar variation 1912528 (VCV001912528.5), dbSNP rs2493946980, ClinGen allele CA379498126.

ClinVar aggregate classification (germline): Uncertain significance (1 of 4 stars; one submission).

Submission:

Labcorp Genetics (formerly Invitae), Labcorp
Classification: Uncertain significance. Last evaluated: 2024-10-24. Review status: criteria provided, single submitter. Criteria: Invitae Variant Classification Sherloc (09022015). Collection method: clinical testing. Allele origin: germline.
Comment: This sequence change replaces cysteine, which is neutral and slightly polar, with arginine, which is basic and polar, at codon 377 of the HPS5 protein (p.Cys377Arg). This variant is not present in population databases (gnomAD no frequency). This variant has not been reported in the literature in individuals affected with HPS5-related conditions. ClinVar contains an entry for this variant (Variation ID: 1912528). An algorithm developed to predict the effect of missense changes on protein structure and function (PolyPhen-2) suggests that this variant is likely to be disruptive. In summary, the available evidence is currently insufficient to determine the role of this variant in disease. Therefore, it has been classified as a Variant of Uncertain Significance.